The following is an entry in ClinVar:

ClinVar aggregate classification (germline): Likely benign (1 of 4 stars; one submission).

gnomAD v4.1: 12,330 of 1,614,156 alleles (0.76%); highest among the groups gnomAD compares: Non-Finnish European, 0.94%; 65 homozygotes.

Submission:

CeGaT Center for Human Genetics Tuebingen
Classification: Likely benign. Last evaluated: 2026-02-01. Review status: criteria provided, single submitter. Criteria: CeGaT Center For Human Genetics Tuebingen Variant Classification Criteria Version 2. Collection method: clinical testing. Allele origin: germline. Affected: yes. Observed: 12 variant alleles.
Comment: PDZD8: BP4, BP7, BS2

NM_173791.5(PDZD8):c.2949G>A (p.Glu983=)

Gene: PDZD8 (PDZ domain containing 8; minus strand). Cytogenetic location: 10q25.3.
Variant type: single nucleotide variant.
Coding change: c.2949G>A on transcript NM_173791.5 (MANE Select); coding-DNA position 2949, G replaced by A.
Protein change: p.Glu983=; no amino-acid change (glutamic acid 983 retained).
Molecular consequence: synonymous variant.
Genome position (GRCh38, 1-based): chr10:117,283,784, C>T on the plus strand (G>A on the coding strand, the complement: PDZD8 is on the minus strand). VCF-style: chr10-117283784-C-T. GRCh37 (hg19) VCF-style: chr10-119043295-C-T.
Identifiers: ClinVar variation 3770459 (VCV003770459.13).